The following is an entry in ClinVar:

ClinVar aggregate classification (germline): Conflicting classifications of pathogenicity. Review status: criteria provided, conflicting classifications (1 of 4 stars). 6 submissions from 6 submitters: Uncertain significance (4); Likely benign (1). 1 of the submissions does not count toward it. Last evaluated 2024-03-20.

Conditions:
Inborn genetic diseases. Identifiers: MedGen C0950123, MeSH D030342.
Intellectual disability-hypotonic facies syndrome, X-linked, 1 (MRXHF1). Also called: Smith Fineman Myers syndrome 1; XLMR-HYPOTONIC FACIES SYNDROME; CHUDLEY-LOWRY SYNDROME; Chudley syndrome 1; Chudley-Lowry-Hoar syndrome; Carpenter-Waziri syndrome. Identifiers: Orphanet 73220, Orphanet 93970, Orphanet 93971, Orphanet 93972, Orphanet 93973, Orphanet 93974, Orphanet 93975, MedGen C4759781, MONDO:0010663, OMIM 309580.
Acquired hemoglobin H disease (ATMDS). Also called: Alpha-thalassemia myelodysplasia syndrome; Alpha-thalassemia-myelodysplastic syndrome; Alpha-thalassemia myelodysplasia syndrome, somatic. Identifiers: Orphanet 231401, MedGen C0585216, MONDO:0010328, OMIM 300448.
Alpha thalassemia-X-linked intellectual disability syndrome (ATRX). Also called: ALPHA-THALASSEMIA/MENTAL RETARDATION SYNDROME, X-LINKED; ALPHA-THALASSEMIA/IMPAIRED INTELLECTUAL DEVELOPMENT SYNDROME, X-LINKED; X-linked alpha-thalassemia-mental retardation syndrome; ATR, NONDELETION TYPE; ATR-X syndrome; Alpha thalassemia mental retardation syndrome, nondeletion type, X-linked. Identifiers: Orphanet 847, MedGen C1845055, MONDO:0010519, OMIM 301040.

Allele frequency attached by ClinVar (database versions not stated): gnomAD 0.00001; gnomAD exomes 0.00001 and 0.00005; TOPMed 0.00002.
gnomAD v4.1: 55 of 1,209,610 alleles (0.0045%); highest among the groups gnomAD compares: Non-Finnish European, 0.0059%; no homozygotes.

Submissions (6):

Labcorp Genetics (formerly Invitae), Labcorp
Classification: Likely benign for Alpha thalassemia-X-linked intellectual disability syndrome. Last evaluated: 2024-03-20. Review status: criteria provided, single submitter. Criteria: Invitae Variant Classification Sherloc (09022015). Collection method: clinical testing. Allele origin: germline.

Fulgent Genetics
Classification: Uncertain significance for Acquired hemoglobin H disease; Alpha thalassemia-X-linked intellectual disability syndrome; Intellectual disability-hypotonic facies syndrome, X-linked, 1. Last evaluated: 2021-08-26. Review status: criteria provided, single submitter. Criteria: ACMG Guidelines, 2015. Collection method: clinical testing. Allele origin: unknown.

Ambry Genetics
Classification: Uncertain significance for Inborn genetic diseases. Last evaluated: 2020-02-21. Review status: criteria provided, single submitter. Criteria: Ambry Variant Classification Scheme 2023. Collection method: clinical testing. Allele origin: germline.
Comment: The p.E928Q variant (also known as c.2782G>C), located in coding exon 9 of the ATRX gene, results from a G to C substitution at nucleotide position 2782. The glutamic acid at codon 928 is replaced by glutamine, an amino acid with highly similar properties. This amino acid position is not well conserved in available vertebrate species, and glutamine is the reference amino acid in other vertebrate species. In addition, this alteration is predicted to be tolerated by in silico analysis. Since supporting evidence is limited at this time, the clinical significance of this alteration remains unclear.

GeneDx
Classification: Uncertain significance. Last evaluated: 2020-01-15. Review status: criteria provided, single submitter. Criteria: GeneDx Variant Classification Process June 2021. Collection method: clinical testing. Allele origin: germline. Affected: yes.
Comment: In silico analysis, which includes protein predictors and evolutionary conservation, supports that this variant does not alter protein structure/function; Has not been previously published as pathogenic or benign to our knowledge.

Eurofins Ntd Llc (ga)
Classification: Uncertain significance. Last evaluated: 2014-06-24. Review status: criteria provided, single submitter. Criteria: EGL Classification Definitions 2015. Collection method: clinical testing. Allele origin: germline. Observed: 1 variant allele, 1 hemizygote.

Natera, Inc.
Classification: Uncertain significance for X-linked alpha-thalassemia-mental retardation syndrome. Last evaluated: 2020-08-06. Review status: no assertion criteria provided. Collection method: clinical testing. Allele origin: germline. Not counted in ClinVar's aggregate classification.

NM_000489.6(ATRX):c.2782G>C (p.Glu928Gln)

Gene: ATRX (ATRX chromatin remodeler; minus strand). Cytogenetic location: Xq21.1.
Variant type: single nucleotide variant.
Coding change: c.2782G>C on transcript NM_000489.6 (MANE Select); coding-DNA position 2782, G replaced by C.
Protein change: p.Glu928Gln; replaces glutamic acid 928 with glutamine.
Molecular consequence: missense variant.
Genome position (GRCh38, 1-based): chrX:77,682,474, C>G on the plus strand (G>C on the coding strand, the complement: ATRX is on the minus strand). VCF-style: chrX-77682474-C-G. GRCh37 (hg19) VCF-style: chrX-76937966-C-G.
Other names: c.2668G>C, p.Glu890Gln (NM_138270.5); short protein forms E928Q, E890Q.
Identifiers: ClinVar variation 199026 (VCV000199026.21), dbSNP rs797044792, ClinGen allele CA247992.
Genomic context (GRCh38, chrX:77,682,474, plus strand): 5'-GCTTGCTCTTTTCTTTAGTTTCAGCAACTTTTCTAACTTCCAAAGAAGTAAAACTCTCCT[C>G]TTTCCCAGAAAGCTTATCGACACCATCAGTGGAAGCACTTGCTTGCTGCTTCTTAGGAAG-3'
Protein context (NP_000480.3, residues 918-938): TDGVDKLSGK[Glu928Gln]ESFTSLEVRK